The following is an entry in ClinVar:

ClinVar aggregate classification (germline): Likely pathogenic (1 of 4 stars; one submission).

Conditions:
COL11A2-related disorder. Also called: COL11A2-related condition; COL11A2-related disorders.

gnomAD v4.1: 3 of 1,610,492 alleles (0.00019%); highest among the groups gnomAD compares: Non-Finnish European, 0.00025%; no homozygotes.

Submission:

Daryl Scott Lab, Baylor College of Medicine
Classification: Likely pathogenic for COL11A2-related disorder. Last evaluated: 2024-01-01. Review status: criteria provided, single submitter. Criteria: ACMG Guidelines, 2015. Collection method: clinical testing. Allele origin: paternal. Affected: yes. Observed: 1 heterozygote.
Comment: PVS1, PM2

NM_080680.3(COL11A2):c.1360-2A>T

Gene: COL11A2 (collagen type XI alpha 2 chain; minus strand). Cytogenetic location: 6p21.32.
Variant type: single nucleotide variant.
Coding change: c.1360-2A>T on transcript NM_080680.3 (MANE Select); the canonical splice acceptor site of the intron before coding-DNA position 1360, A replaced by T.
Molecular consequence: splice acceptor variant.
Genome position (GRCh38, 1-based): chr6:33,179,807, T>A on the plus strand (A>T on the coding strand, the complement: COL11A2 is on the minus strand). VCF-style: chr6-33179807-T-A. GRCh37 (hg19) VCF-style: chr6-33147584-T-A.
Other names: c.1039-2A>T (NM_080679.3); c.1102-2A>T (NM_080681.3); c.1180-2A>T (NM_001424108.1); c.334-2A>T (NM_001424110.1, NM_001424111.1); c.514-2A>T (NM_001424109.1).
Identifiers: ClinVar variation 3764595 (VCV003764595.1).